The following is an entry in ClinVar:

ClinVar aggregate classification (germline): Uncertain significance (1 of 4 stars; one submission).

Allele frequency attached by ClinVar (database versions not stated): gnomAD exomes below 0.00001.
gnomAD v4.1: 1 of 1,613,716 alleles (0.000062%); highest among the groups gnomAD compares: Non-Finnish European, 0.000085%; no homozygotes.

Submission:

Ambry Genetics
Classification: Uncertain significance. Last evaluated: 2023-10-27. Review status: criteria provided, single submitter. Criteria: Ambry Variant Classification Scheme 2023. Collection method: clinical testing. Allele origin: germline.
Comment: The p.S479T variant (also known as c.1435T>A), located in coding exon 1 of the MLH3 gene, results from a T to A substitution at nucleotide position 1435. The serine at codon 479 is replaced by threonine, an amino acid with similar properties. This amino acid position is conserved. In addition, this alteration is predicted to be tolerated by in silico analysis. Since supporting evidence is limited at this time, the clinical significance of this alteration remains unclear.

NM_001040108.2(MLH3):c.1435T>A (p.Ser479Thr)

Gene: MLH3 (mutL homolog 3; minus strand). Cytogenetic location: 14q24.3.
Variant type: single nucleotide variant.
Coding change: c.1435T>A on transcript NM_001040108.2 (MANE Select); coding-DNA position 1435, T replaced by A.
Protein change: p.Ser479Thr; replaces serine 479 with threonine.
Molecular consequence: missense variant.
Genome position (GRCh38, 1-based): chr14:75,048,221, A>T on the plus strand (T>A on the coding strand, the complement: MLH3 is on the minus strand). VCF-style: chr14-75048221-A-T. GRCh37 (hg19) VCF-style: chr14-75514924-A-T.
Other names: c.1435T>A, p.Ser479Thr (NM_014381.3); short protein forms S479T.
Identifiers: ClinVar variation 1772611 (VCV001772611.2), dbSNP rs2139583465, ClinGen allele CA390445700.